The following is an entry in ClinVar:

ClinVar aggregate classification (germline): Pathogenic/Likely pathogenic. Review status: criteria provided, multiple submitters, no conflicts (2 of 4 stars). 2 submissions from 2 submitters: Pathogenic (1); Likely pathogenic (1). Last evaluated 2024-02-28.

Conditions:
Pontocerebellar hypoplasia type 6 (PCH6). Identifiers: Orphanet 166073, MedGen C1969084, MONDO:0012683, OMIM 611523.

Submissions (2):

Baylor Genetics
Classification: Likely pathogenic for Pontocerebellar hypoplasia type 6. Last evaluated: 2024-02-28. Review status: criteria provided, single submitter. Criteria: ACMG Guidelines, 2015. Collection method: clinical testing. Allele origin: unknown.

Labcorp Genetics (formerly Invitae), Labcorp
Classification: Pathogenic. Last evaluated: 2022-01-28. Review status: criteria provided, single submitter. Criteria: Invitae Variant Classification Sherloc (09022015). Collection method: clinical testing. Allele origin: germline.
Comment: This sequence change creates a premature translational stop signal (p.Tyr322Cysfs*16) in the RARS2 gene. It is expected to result in an absent or disrupted protein product. Loss-of-function variants in RARS2 are known to be pathogenic (PMID: 17847012, 22569581, 26083569). This variant is not present in population databases (gnomAD no frequency). This variant has not been reported in the literature in individuals affected with RARS2-related conditions. For these reasons, this variant has been classified as Pathogenic.

Literature cited by the submitters: PubMed 17847012 (cited by Labcorp Genetics (formerly Invitae), Labcorp); PubMed 22569581 (cited by Labcorp Genetics (formerly Invitae), Labcorp); PubMed 26083569 (cited by Labcorp Genetics (formerly Invitae), Labcorp).

NM_020320.5(RARS2):c.965_966del (p.Tyr322fs)

Gene: RARS2 (arginyl-tRNA synthetase 2, mitochondrial; minus strand). Cytogenetic location: 6q15.
Variant type: Deletion.
Coding change: c.965_966del on transcript NM_020320.5 (MANE Select); coding-DNA positions 965 to 966, 2 bases deleted (AT; older notation c.965_966delAT).
Protein change: p.Tyr322fs; shifts the reading frame from tyrosine 322.
Molecular consequence: frameshift variant. On other transcripts: non-coding transcript variant (23).
Genome position (GRCh38, 1-based): chr6:87,524,565-87,524,566, AT deleted on the plus strand (AT on the coding strand, the reverse complement: RARS2 is on the minus strand); deleting any 2 consecutive bases within chr6:87,524,565-87,524,567 gives the same sequence; the c. name uses the placement nearest the transcript's 3' end. VCF-style (leftmost placement, unchanged base first): chr6-87524564-CAT-C. GRCh37 (hg19) VCF-style: chr6-88234282-CAT-C.
Other names: c.440_441del, p.Tyr147fs (NM_001318785.2, NM_001350506.2, NM_001350507.2 and 4 more transcripts); c.965_966del, p.Tyr322fs (NM_001350505.2); short protein forms Y147fs, Y322fs.
Identifiers: ClinVar variation 1953482 (VCV001953482.6), dbSNP rs2483362975, ClinGen allele CA2580075963.